The following is an entry in ClinVar:

NM_000062.3(SERPING1):c.348G>T (p.Gln116His)

Gene: SERPING1 (serpin family G member 1; plus strand). Cytogenetic location: 11q12.1.
Variant type: single nucleotide variant.
Coding change: c.348G>T on transcript NM_000062.3 (MANE Select); coding-DNA position 348, G replaced by T.
Protein change: p.Gln116His; replaces glutamine 116 with histidine.
Molecular consequence: missense variant.
Genome position (GRCh38, 1-based): chr11:57,600,175, G>T. VCF-style: chr11-57600175-G-T. GRCh37 (hg19) VCF-style: chr11-57367648-G-T.
Other names: c.348G>T, p.Gln116His (NM_001032295.2); short protein forms Q116H.
Identifiers: ClinVar variation 2100166 (VCV002100166.4), dbSNP rs1035864750, ClinGen allele CA380695176.

ClinVar aggregate classification (germline): Uncertain significance (1 of 4 stars; one submission).

Submission:

Labcorp Genetics (formerly Invitae), Labcorp
Classification: Uncertain significance. Last evaluated: 2022-02-20. Review status: criteria provided, single submitter. Criteria: Invitae Variant Classification Sherloc (09022015). Collection method: clinical testing. Allele origin: germline.
Comment: In summary, the available evidence is currently insufficient to determine the role of this variant in disease. Therefore, it has been classified as a Variant of Uncertain Significance. Advanced modeling of protein sequence and biophysical properties (such as structural, functional, and spatial information, amino acid conservation, physicochemical variation, residue mobility, and thermodynamic stability) performed at Invitae indicates that this missense variant is not expected to disrupt SERPING1 protein function. This variant has not been reported in the literature in individuals affected with SERPING1-related conditions. This variant is not present in population databases (gnomAD no frequency). This sequence change replaces glutamine, which is neutral and polar, with histidine, which is basic and polar, at codon 116 of the SERPING1 protein (p.Gln116His).